The following is an entry in ClinVar:

NM_003900.5(SQSTM1):c.1159C>G (p.Pro387Ala)

Gene: SQSTM1 (sequestosome 1; plus strand). Cytogenetic location: 5q35.3.
Variant type: single nucleotide variant.
Coding change: c.1159C>G on transcript NM_003900.5 (MANE Select); coding-DNA position 1159, C replaced by G.
Protein change: p.Pro387Ala; replaces proline 387 with alanine.
Molecular consequence: missense variant.
Genome position (GRCh38, 1-based): chr5:179,833,776, C>G. VCF-style: chr5-179833776-C-G. GRCh37 (hg19) VCF-style: chr5-179260776-C-G.
Other names: c.907C>G, p.Pro303Ala (NM_001142298.2, NM_001142299.2); short protein forms P303A, P387A.
Identifiers: ClinVar variation 2577014 (VCV002577014.1), dbSNP rs768745808, ClinGen allele CA3600812.

ClinVar aggregate classification (germline): Uncertain significance (1 of 4 stars; one submission).

Conditions:
Frontotemporal dementia and/or amyotrophic lateral sclerosis 3. Also called: FTDALS3. Identifiers: Orphanet 275864, Orphanet 275872, Orphanet 803, MedGen C4225326, MONDO:0014640, OMIM 616437.

Allele frequency attached by ClinVar (database versions not stated): TOPMed below 0.00001; ExAC 0.00001; gnomAD 0.00001; gnomAD exomes 0.00001.
gnomAD v4.1: 5 of 1,613,946 alleles (0.00031%); highest among the groups gnomAD compares: South Asian, 0.0022%; no homozygotes.

Submission:

Diagnostics Services (NGS), CSIR - Centre For Cellular And Molecular Biology
Classification: Uncertain significance for Frontotemporal dementia and/or amyotrophic lateral sclerosis 3. Last evaluated: 2023-08-24. Review status: criteria provided, single submitter. Criteria: ACMG Guidelines, 2015. Collection method: clinical testing. Allele origin: unknown. Affected: yes. Observed: 1 variant allele, 1 heterozygote.
Comment: The c.1159C>G variant is not present in publicly available population databases like 1000 Genomes, EVS, Indian Exome Database or our in-house exome database. The variant is present in ExAC and gnomAD at low frequencies. This variant has been previously observed in South African patient(s) affected with amyotrophic lateral sclerosis and published in the literature [PMID:35047667]. It has not been reported to the clinical databases like ClinVar, Human Genome Mutation Database (HGMD) or OMIM, in any affected individuals. In-silico pathogenicity programs like SIFT, PolyPhen-2, MutationTaster2, CADD, Varsome etc predicted this variant to be likely deleterious however these predictions were not confirmed by published functional studies. An alternative variant with a different amino acid change in the same codon (c.1160C>T, Pro387Leu) has been previously observed in individuals affected with SQSTM1-related conditions, published several times in literature and reported to the clinical databases as ‘pathogenic / likely pathogenic / uncertain significance’ by multiple submitters.

Literature cited by the submitters: PubMed 35047667.